The following is an entry in ClinVar:

ClinVar aggregate classification (germline): Uncertain significance. Review status: criteria provided, multiple submitters, no conflicts (2 of 4 stars). 3 submissions from 3 submitters: Uncertain significance (3). Last evaluated 2025-12-03.

Conditions:
Hereditary cancer-predisposing syndrome. Also called: Neoplastic Syndromes, Hereditary; Hereditary Cancer Syndrome; Hereditary neoplastic syndrome; Tumor predisposition. Identifiers: Orphanet 140162, MedGen C0027672, MeSH D009386, MONDO:0015356.
Hereditary pheochromocytoma and paraganglioma. Also called: Hereditary Paraganglioma-Pheochromocytoma Syndromes; Hereditary pheochromocytoma-paraganglioma; Hereditary paragangliomas and pheochromocytomas. Identifiers: Orphanet 29072, MedGen C4274332, MONDO:0017366.
Pheochromocytoma/paraganglioma syndrome 4. Also called: PARAGANGLIOMA, FAMILIAL MALIGNANT; PARAGANGLIOMAS, HEREDITARY EXTRAADRENAL; PHEOCHROMOCYTOMA, FAMILIAL EXTRAADRENAL; Paragangliomas 4; CAROTID BODY TUMORS AND MULTIPLE EXTRAADRENAL PHEOCHROMOCYTOMAS; SDHB-Related Hereditary Paraganglioma-Pheochromocytoma Syndrome (Paragangliomas 4). Identifiers: Orphanet 29072, MedGen C1861848, MONDO:0007273, OMIM 115310.
Gastrointestinal stromal tumor. Also called: Gastrointestinal stroma tumor; Gastrointestinal stromal tumor, somatic. Identifiers: Orphanet 44890, MedGen C0238198, MeSH D046152, MONDO:0011719, OMIM 606764, HP:0100723.
Pheochromocytoma. Also called: MAX-Related Hereditary Paraganglioma-Pheochromocytoma Syndrome. Identifiers: Orphanet 29072, MedGen C0031511, MONDO:0008233, OMIM 171300, HP:0002666.

Allele frequency attached by ClinVar (database versions not stated): ExAC 0.00001; gnomAD exomes 0.00001.
gnomAD v4.1: 11 of 1,613,666 alleles (0.00068%); highest among the groups gnomAD compares: East Asian, 0.025%; no homozygotes.

Submissions (3):

Labcorp Genetics (formerly Invitae), Labcorp
Classification: Uncertain significance for Gastrointestinal stromal tumor; Pheochromocytoma/paraganglioma syndrome 4; Pheochromocytoma. Last evaluated: 2025-12-03. Review status: criteria provided, single submitter. Criteria: Invitae Variant Classification Sherloc (09022015). Collection method: clinical testing. Allele origin: germline.
Comment: This sequence change replaces serine, which is neutral and polar, with phenylalanine, which is neutral and non-polar, at codon 163 of the SDHB protein (p.Ser163Phe). This variant is present in population databases (rs769687734, gnomAD 0.01%). This missense change has been observed in individual(s) with gastrointestinal stromal tumor (PMID: 25987131). ClinVar contains an entry for this variant (Variation ID: 412485). Invitae Evidence Modeling of protein sequence and biophysical properties (such as structural, functional, and spatial information, amino acid conservation, physicochemical variation, residue mobility, and thermodynamic stability) indicates that this missense variant is not expected to disrupt SDHB protein function with a negative predictive value of 80%. In summary, the available evidence is currently insufficient to determine the role of this variant in disease. Therefore, it has been classified as a Variant of Uncertain Significance.

Color Diagnostics, LLC DBA Color Health
Classification: Uncertain significance for Hereditary pheochromocytoma and paraganglioma. Last evaluated: 2025-07-11. Review status: criteria provided, single submitter. Criteria: ACMG Guidelines, 2015. Collection method: clinical testing. Allele origin: germline.
Comment: This missense variant replaces serine with phenylalanine at codon 163 of the SDHB protein. Computational prediction is inconclusive regarding the impact of this variant on protein structure and function. To our knowledge, functional studies have not been reported for this variant. This variant has been reported in an individual affected with gastrointestinal stromal tumor (PMID: 25987131). This variant has been identified in 2/251384 chromosomes in the general population by the Genome Aggregation Database (gnomAD). The available evidence is insufficient to determine the role of this variant in disease conclusively. Therefore, this variant is classified as a Variant of Uncertain Significance.

Ambry Genetics
Classification: Uncertain significance for Hereditary cancer-predisposing syndrome. Last evaluated: 2024-12-24. Review status: criteria provided, single submitter. Criteria: Ambry Variant Classification Scheme 2023. Collection method: clinical testing. Allele origin: germline.
Comment: The p.S163F variant (also known as c.488C>T), located in coding exon 5 of the SDHB gene, results from a C to T substitution at nucleotide position 488. The serine at codon 163 is replaced by phenylalanine, an amino acid with highly dissimilar properties. This amino acid position is highly conserved in available vertebrate species. In addition, this alteration is predicted to be deleterious by in silico analysis. Based on the available evidence, the clinical significance of this variant remains unclear.

Literature cited by the submitters: PubMed 25987131 (cited by 3 submitters).

NM_003000.3(SDHB):c.488C>T (p.Ser163Phe)

Gene: SDHB (succinate dehydrogenase complex iron sulfur subunit B; minus strand). Cytogenetic location: 1p36.13.
Variant type: single nucleotide variant.
Coding change: c.488C>T on transcript NM_003000.3 (MANE Select); coding-DNA position 488, C replaced by T.
Protein change: p.Ser163Phe; replaces serine 163 with phenylalanine.
Molecular consequence: missense variant.
Genome position (GRCh38, 1-based): chr1:17,027,801, G>A on the plus strand (C>T on the coding strand, the complement: SDHB is on the minus strand). VCF-style: chr1-17027801-G-A. GRCh37 (hg19) VCF-style: chr1-17354296-G-A.
Other names: short protein forms S163F.
Identifiers: ClinVar variation 412485 (VCV000412485.13), dbSNP rs769687734, ClinGen allele CA089633.